The following is an entry in ClinVar:

ClinVar aggregate classification (germline): Uncertain significance (1 of 4 stars; one submission).

Conditions:
Landau-Kleffner syndrome (FESD). Also called: APHASIA, ACQUIRED, WITH EPILEPSY; EPILEPSY, FOCAL, WITH SPEECH DISORDER AND WITH OR WITHOUT MENTAL RETARDATION. Identifiers: Orphanet 1945, Orphanet 725, Orphanet 98818, MedGen C0282512, MONDO:0009509, OMIM 245570.

Allele frequency attached by ClinVar (database versions not stated): gnomAD exomes below 0.00001.
gnomAD v4.1: 3 of 1,613,870 alleles (0.00019%); highest among the groups gnomAD compares: South Asian, 0.0022%; no homozygotes.

Submission:

Labcorp Genetics (formerly Invitae), Labcorp
Classification: Uncertain significance for Landau-Kleffner syndrome. Last evaluated: 2021-07-08. Review status: criteria provided, single submitter. Criteria: Invitae Variant Classification Sherloc (09022015). Collection method: clinical testing. Allele origin: germline.
Comment: Advanced modeling of protein sequence and biophysical properties (such as structural, functional, and spatial information, amino acid conservation, physicochemical variation, residue mobility, and thermodynamic stability) performed at Invitae indicates that this missense variant is not expected to disrupt GRIN2A protein function. In summary, the available evidence is currently insufficient to determine the role of this variant in disease. Therefore, it has been classified as a Variant of Uncertain Significance. This variant has not been reported in the literature in individuals affected with GRIN2A-related conditions. This sequence change replaces alanine with threonine at codon 213 of the GRIN2A protein (p.Ala213Thr). The alanine residue is moderately conserved and there is a small physicochemical difference between alanine and threonine. This variant is not present in population databases (ExAC no frequency).

NM_001134407.3(GRIN2A):c.637G>A (p.Ala213Thr)

Gene: GRIN2A (glutamate ionotropic receptor NMDA type subunit 2A; minus strand). Cytogenetic location: 16p13.2.
Variant type: single nucleotide variant.
Coding change: c.637G>A on transcript NM_001134407.3 (MANE Select); coding-DNA position 637, G replaced by A.
Protein change: p.Ala213Thr; replaces alanine 213 with threonine.
Molecular consequence: missense variant.
Genome position (GRCh38, 1-based): chr16:9,938,329, C>T on the plus strand (G>A on the coding strand, the complement: GRIN2A is on the minus strand). VCF-style: chr16-9938329-C-T. GRCh37 (hg19) VCF-style: chr16-10032186-C-T.
Other names: c.637G>A, p.Ala213Thr (NM_000833.5, NM_001134408.2); short protein forms A213T.
Identifiers: ClinVar variation 1042268 (VCV001042268.9), dbSNP rs2044765102, ClinGen allele CA394798831.